The following is an entry in ClinVar:

ClinVar aggregate classification (germline): Uncertain significance (1 of 4 stars; one submission).

Submission:

GeneDx
Classification: Uncertain significance. Last evaluated: 2023-03-24. Review status: criteria provided, single submitter. Criteria: GeneDx Variant Classification Process June 2021. Collection method: clinical testing. Allele origin: germline. Affected: yes.
Comment: Has not been previously published in an individual with an RAB11A-related disorder to our knowledge, though a functional study suggests this variant eliminates guanine nucleotide exchange factors (GEF) activity (Goto-Ito et al., 2019); Not observed at significant frequency in large population cohorts (gnomAD); In silico analysis supports that this missense variant has a deleterious effect on protein structure/function; This variant is associated with the following publications: (PMID: 30872413)

NM_004663.5(RAB11A):c.127A>G (p.Thr43Ala)

Gene: RAB11A (RAB11A, member RAS oncogene family; plus strand). Cytogenetic location: 15q22.31.
Variant type: single nucleotide variant.
Coding change: c.127A>G on transcript NM_004663.5 (MANE Select); coding-DNA position 127, A replaced by G.
Protein change: p.Thr43Ala; replaces threonine 43 with alanine.
Molecular consequence: missense variant.
Genome position (GRCh38, 1-based): chr15:65,877,418, A>G. VCF-style: chr15-65877418-A-G. GRCh37 (hg19) VCF-style: chr15-66169756-A-G.
Other names: c.127A>G, p.Thr43Ala (NM_001206836.2); short protein forms T43A.
Identifiers: ClinVar variation 2580656 (VCV002580656.1), dbSNP rs2549035437, ClinGen allele CA392920187.